The following is an entry in ClinVar:

ClinVar aggregate classification (germline): Uncertain significance. Review status: criteria provided, multiple submitters, no conflicts (2 of 4 stars). 3 submissions from 3 submitters: Uncertain significance (3). Last evaluated 2025-08-15.

Conditions:
Inborn genetic diseases. Identifiers: MedGen C0950123, MeSH D030342.
Left ventricular noncompaction 8 (LVNC8). Identifiers: Orphanet 154, Orphanet 54260, MedGen C3809288, MONDO:0014152, OMIM 615373.

Allele frequency attached by ClinVar (database versions not stated): ExAC 0.00001; ESP Exome Variant Server 0.00008; gnomAD exomes 0.00003.
gnomAD v4.1: 39 of 1,613,600 alleles (0.0024%); highest among the groups gnomAD compares: Non-Finnish European, 0.0031%; no homozygotes.

Submissions (3):

Mayo Clinic Laboratories, Mayo Clinic
Classification: Uncertain significance. Last evaluated: 2025-08-15. Review status: criteria provided, single submitter. Criteria: ACMG Guidelines, 2015. Collection method: clinical testing. Allele origin: germline. Observed: 1 variant allele.
Comment: BP4_moderate, BP5

Ambry Genetics
Classification: Uncertain significance for Inborn genetic diseases. Last evaluated: 2025-02-10. Review status: criteria provided, single submitter. Criteria: Ambry Variant Classification Scheme 2023. Collection method: clinical testing. Allele origin: germline.

Labcorp Genetics (formerly Invitae), Labcorp
Classification: Uncertain significance for Left ventricular noncompaction 8. Last evaluated: 2025-01-07. Review status: criteria provided, single submitter. Criteria: Invitae Variant Classification Sherloc (09022015). Collection method: clinical testing. Allele origin: germline.
Comment: This sequence change replaces glycine, which is neutral and non-polar, with cysteine, which is neutral and slightly polar, at codon 919 of the PRDM16 protein (p.Gly919Cys). This variant is present in population databases (rs375126788, gnomAD 0.002%). This variant has not been reported in the literature in individuals affected with PRDM16-related conditions. ClinVar contains an entry for this variant (Variation ID: 2079430). An algorithm developed to predict the effect of missense changes on protein structure and function (PolyPhen-2) suggests that this variant is likely to be disruptive. In summary, the available evidence is currently insufficient to determine the role of this variant in disease. Therefore, it has been classified as a Variant of Uncertain Significance.

NM_022114.4(PRDM16):c.2755G>T (p.Gly919Cys)

Gene: PRDM16 (PR/SET domain 16; plus strand). Cytogenetic location: 1p36.32.
Variant type: single nucleotide variant.
Coding change: c.2755G>T on transcript NM_022114.4 (MANE Select); coding-DNA position 2755, G replaced by T.
Protein change: p.Gly919Cys; replaces glycine 919 with cysteine.
Molecular consequence: missense variant.
Genome position (GRCh38, 1-based): chr1:3,417,891, G>T. VCF-style: chr1-3417891-G-T. GRCh37 (hg19) VCF-style: chr1-3334455-G-T.
Other names: p.Gly919Cys; c.2755G>T, p.Gly919Cys (NM_199454.3); c.2755G>T (NM_022114.3); short protein forms G919C.
Identifiers: ClinVar variation 2079430 (VCV002079430.7), dbSNP rs375126788, ClinGen allele CA544593.